The following is an entry in ClinVar:

ClinVar aggregate classification (germline): Likely pathogenic. Review status: criteria provided, multiple submitters, no conflicts (2 of 4 stars). 2 submissions from 2 submitters: Likely pathogenic (2). Last evaluated 2025-07-01.

Conditions:
Familial hemophagocytic lymphohistiocytosis 3 (FHL3). Also called: UNC13D-Related Familial Hemophagocytic Lymphohistiocytosis (UNC13D-fHLH). Identifiers: Orphanet 540, MedGen C1837174, MONDO:0012146, OMIM 608898.
Familial hemophagocytic lymphohistiocytosis (FHL). Also called: Hereditary hemophagocytic lymphohistiocytosis; Familial erythrophagocytic lymphohistiocytosis; Familial histiocytic reticulosis. Identifiers: Orphanet 158038, Orphanet 540, MedGen C0272199, MONDO:0015541.

Allele frequency attached by ClinVar (database versions not stated): TOPMed below 0.00001.

Submissions (2):

Women's Health and Genetics/Laboratory Corporation of America, LabCorp
Classification: Likely pathogenic for Familial hemophagocytic lymphohistiocytosis. Last evaluated: 2025-07-01. Review status: criteria provided, single submitter. Criteria: LabCorp Variant Classification Summary - May 2015. Collection method: clinical testing. Allele origin: germline.
Comment: Variant summary: UNC13D c.2955-1G>A is located in a canonical splice-site and is predicted to affect mRNA splicing resulting in a significantly altered protein due to either exon skipping, shortening, or inclusion of intronic material. Variants that disrupt the consensus splice site are a relatively common cause of aberrant splicing and loss of UNC13D function. Several computational tools predict a significant impact on normal splicing: Four predict the variant abolishes a 3' acceptor site. However, these predictions have yet to be confirmed by functional studies. The variant was absent in 259288 control chromosomes. To our knowledge, no occurrence of c.2955-1G>A in individuals affected with Familial Hemophagocytic Lymphohistiocytosis and no experimental evidence demonstrating its impact on protein function have been reported. ClinVar contains an entry for this variant (Variation ID: 849686). Based on the evidence outlined above, the variant was classified as likely pathogenic.

Labcorp Genetics (formerly Invitae), Labcorp
Classification: Likely pathogenic for Familial hemophagocytic lymphohistiocytosis 3. Last evaluated: 2019-02-03. Review status: criteria provided, single submitter. Criteria: Invitae Variant Classification Sherloc (09022015). Collection method: clinical testing. Allele origin: germline.
Comment: This sequence change affects an acceptor splice site in intron 30 of the UNC13D gene. It is expected to disrupt RNA splicing and likely results in an absent or disrupted protein product. In summary, the currently available evidence indicates that the variant is pathogenic, but additional data are needed to prove that conclusively. Therefore, this variant has been classified as Likely Pathogenic. Donor and acceptor splice site variants typically lead to a loss of protein function (PMID: 16199547), and loss-of-function variants in UNC13D are known to be pathogenic (PMID: 14622600). Algorithms developed to predict the effect of sequence changes on RNA splicing suggest that this variant may disrupt the consensus splice site, but this prediction has not been confirmed by published transcriptional studies. This variant has not been reported in the literature in individuals with UNC13D-related conditions. This variant is not present in population databases (ExAC no frequency).

Literature cited by the submitters: PubMed 16199547 (cited by Labcorp Genetics (formerly Invitae), Labcorp); PubMed 14622600 (cited by Labcorp Genetics (formerly Invitae), Labcorp).

NM_199242.3(UNC13D):c.2955-1G>A

Gene: UNC13D (unc-13 homolog D; minus strand). Cytogenetic location: 17q25.1.
Variant type: single nucleotide variant.
Coding change: c.2955-1G>A on transcript NM_199242.3 (MANE Select); the canonical splice acceptor site of the intron before coding-DNA position 2955, G replaced by A.
Molecular consequence: splice acceptor variant.
Genome position (GRCh38, 1-based): chr17:75,828,984, C>T on the plus strand (G>A on the coding strand, the complement: UNC13D is on the minus strand). VCF-style: chr17-75828984-C-T. GRCh37 (hg19) VCF-style: chr17-73825065-C-T.
Identifiers: ClinVar variation 849686 (VCV000849686.10), dbSNP rs1041960684, ClinGen allele CA294084276.